The following is an entry in ClinVar:

NM_001256545.2(MEGF10):c.2539A>C (p.Thr847Pro)

Gene: MEGF10 (multiple EGF like domains 10; plus strand). Cytogenetic location: 5q23.2.
Variant type: single nucleotide variant.
Coding change: c.2539A>C on transcript NM_001256545.2 (MANE Select); coding-DNA position 2539, A replaced by C.
Protein change: p.Thr847Pro; replaces threonine 847 with proline.
Molecular consequence: missense variant.
Genome position (GRCh38, 1-based): chr5:127,445,504, A>C. VCF-style: chr5-127445504-A-C. GRCh37 (hg19) VCF-style: chr5-126781196-A-C.
Other names: c.2539A>C, p.Thr847Pro (NM_032446.3); short protein forms T847P.
Identifiers: ClinVar variation 1007838 (VCV001007838.7), dbSNP rs1765909921, ClinGen allele CA360734624.

ClinVar aggregate classification (germline): Uncertain significance (1 of 4 stars; one submission).

Conditions:
MEGF10-related myopathy (CMYO10A). Also called: Congenital myopathy 10A, severe variant. Identifiers: Orphanet 439212, MedGen C3280679, MONDO:0013731, OMIM 614399.

gnomAD v4.1: 1 of 1,614,130 alleles (0.000062%); no homozygotes.

Submission:

Labcorp Genetics (formerly Invitae), Labcorp
Classification: Uncertain significance for MEGF10-related myopathy. Last evaluated: 2022-03-18. Review status: criteria provided, single submitter. Criteria: Invitae Variant Classification Sherloc (09022015). Collection method: clinical testing. Allele origin: germline.
Comment: This sequence change replaces threonine, which is neutral and polar, with proline, which is neutral and non-polar, at codon 847 of the MEGF10 protein (p.Thr847Pro). This variant is not present in population databases (gnomAD no frequency). This variant has not been reported in the literature in individuals affected with MEGF10-related conditions. ClinVar contains an entry for this variant (Variation ID: 1007838). Algorithms developed to predict the effect of missense changes on protein structure and function are either unavailable or do not agree on the potential impact of this missense change (SIFT: "Deleterious"; PolyPhen-2: "Benign"; Align-GVGD: "Class C0"). In summary, the available evidence is currently insufficient to determine the role of this variant in disease. Therefore, it has been classified as a Variant of Uncertain Significance.